The following is an entry in ClinVar:

ClinVar aggregate classification (germline): Pathogenic (1 of 4 stars; one submission).

Conditions:
Maple syrup urine disease type 1B (MSUD1B). Also called: MSUD type IB; MSUD type 3 (formerly); MSUD due to deficiency of e1-beta subunit of branched-chain alpha-keto acid dehydrogenase complex. Identifiers: MedGen C2930990, MONDO:0023692, OMIM 620698.

Submission:

Myriad Genetics, Inc.
Classification: Pathogenic for Maple syrup urine disease type 1B. Last evaluated: 2025-09-07. Review status: criteria provided, single submitter. Criteria: Myriad Autosomal Dominant, Autosomal Recessive and X-Linked Classification Criteria (2023). Collection method: clinical testing. Allele origin: unknown.
Comment: NM_183050.2(BCKDHB):c.679_683dup5(I229Hfs*3) is expected to be pathogenic in the context of maple syrup urine disease type Ib. This variant is predicted to lead to an abnormal or absent protein product due to the creation of a premature termination codon in BCKDHB, a gene where loss-of-function variants are known to be pathogenic. Please note: this variant was assessed in the context of healthy population screening.

NM_183050.4(BCKDHB):c.679_683dup (p.Ile229fs)

Gene: BCKDHB (branched chain keto acid dehydrogenase E1 subunit beta; plus strand). Cytogenetic location: 6q14.1.
Variant type: Duplication.
Coding change: c.679_683dup on transcript NM_183050.4 (MANE Select); coding-DNA positions 679 to 683, 5 bases duplicated (TCATG; older notation c.679_683dupTCATG).
Protein change: p.Ile229fs; shifts the reading frame from isoleucine 229.
Molecular consequence: frameshift variant. On other transcripts: non-coding transcript variant (4).
Genome position (GRCh38, 1-based): chr6:80,171,327-80,171,331, TCATG duplicated; duplicating any 5 consecutive bases within chr6:80,171,325-80,171,331 gives the same sequence; the c. name uses the placement nearest the transcript's 3' end. VCF-style (leftmost placement, unchanged base first): chr6-80171324-T-TTGTCA. GRCh37 (hg19) VCF-style: chr6-80881041-T-TTGTCA.
Other names: c.679_683dup, p.Ile229fs (NM_000056.5, NM_001424035.1, NM_001424036.1 and 7 more transcripts); c.469_473dup, p.Ile159fs (NM_001318975.1, NM_001424043.1); short protein forms I159fs, I229fs.
Identifiers: ClinVar variation 5014951 (VCV005014951.1).